The following is an entry in ClinVar:

ClinVar aggregate classification (germline): Likely benign. Review status: criteria provided, multiple submitters, no conflicts (2 of 4 stars). 3 submissions from 3 submitters: Likely benign (3). Last evaluated 2025-12-23.

Allele frequency attached by ClinVar (database versions not stated): gnomAD 0.00003 and 0.00005; gnomAD exomes 0.00007 and 0.00012; ESP Exome Variant Server 0.00008; TOPMed 0.00011; ExAC 0.00017; 1000 Genomes Project 30x 0.00031; 1000 Genomes Project 0.00040.
gnomAD v4.1: 117 of 1,600,618 alleles (0.0073%); highest among the groups gnomAD compares: Middle Eastern, 0.05%; no homozygotes.

Submissions (3):

Labcorp Genetics (formerly Invitae), Labcorp
Classification: Likely benign. Last evaluated: 2025-12-23. Review status: criteria provided, single submitter. Criteria: Invitae Variant Classification Sherloc (09022015). Collection method: clinical testing. Allele origin: germline.

CeGaT Center for Human Genetics Tuebingen
Classification: Likely benign. Last evaluated: 2025-12-01. Review status: criteria provided, single submitter. Criteria: CeGaT Center For Human Genetics Tuebingen Variant Classification Criteria Version 2. Collection method: clinical testing. Allele origin: germline. Affected: yes. Observed: 1 variant allele.
Comment: FCSK: BP4, BP7

Blueprint Genetics
Classification: Likely benign. Last evaluated: 2024-08-13. Review status: criteria provided, single submitter. Criteria: ACMG Guidelines, 2015. Collection method: clinical testing. Allele origin: germline.

NM_145059.3(FCSK):c.1299G>A (p.Pro433=)

Gene: FCSK (fucose kinase; plus strand). Cytogenetic location: 16q22.1.
Variant type: single nucleotide variant.
Coding change: c.1299G>A on transcript NM_145059.3 (MANE Select); coding-DNA position 1299, G replaced by A.
Protein change: p.Pro433=; no amino-acid change (proline 433 retained).
Molecular consequence: synonymous variant.
Genome position (GRCh38, 1-based): chr16:70,471,310, G>A. VCF-style: chr16-70471310-G-A. GRCh37 (hg19) VCF-style: chr16-70505213-G-A.
Identifiers: ClinVar variation 1682365 (VCV001682365.13), dbSNP rs200559563, ClinGen allele CA8143270.